The following is an entry in ClinVar:

ClinVar aggregate classification (germline): Uncertain significance (1 of 4 stars; one submission).

gnomAD v4.1: 1 of 1,614,118 alleles (0.000062%); highest among the groups gnomAD compares: Admixed American, 0.0017%; no homozygotes.

Submission:

Labcorp Genetics (formerly Invitae), Labcorp
Classification: Uncertain significance. Last evaluated: 2025-12-16. Review status: criteria provided, single submitter. Criteria: Invitae Variant Classification Sherloc (09022015). Collection method: clinical testing. Allele origin: germline.
Comment: This sequence change replaces lysine, which is basic and polar, with glutamine, which is neutral and polar, at codon 1621 of the NIN protein (p.Lys1621Gln). This variant is not present in population databases (gnomAD no frequency). This variant has not been reported in the literature in individuals affected with NIN-related conditions. ClinVar contains an entry for this variant (Variation ID: 3009079). An algorithm developed to predict the effect of missense changes on protein structure and function (PolyPhen-2) suggests that this variant is likely to be disruptive. In summary, the available evidence is currently insufficient to determine the role of this variant in disease. Therefore, it has been classified as a Variant of Uncertain Significance.

NM_020921.4(NIN):c.4861A>C (p.Lys1621Gln)

Gene: NIN (ninein; minus strand). Cytogenetic location: 14q22.1.
Variant type: single nucleotide variant.
Coding change: c.4861A>C on transcript NM_020921.4 (MANE Select); coding-DNA position 4861, A replaced by C.
Protein change: p.Lys1621Gln; replaces lysine 1621 with glutamine.
Molecular consequence: missense variant.
Genome position (GRCh38, 1-based): chr14:50,752,607, T>G on the plus strand (A>C on the coding strand, the complement: NIN is on the minus strand). VCF-style: chr14-50752607-T-G. GRCh37 (hg19) VCF-style: chr14-51219325-T-G.
Other names: c.2722A>C, p.Lys908Gln (NM_016350.5); c.4861A>C, p.Lys1621Gln (NM_182944.3, NM_182946.2); short protein forms K1621Q, K908Q.
Identifiers: ClinVar variation 3009079 (VCV003009079.3), dbSNP rs748299526, ClinGen allele CA389687481.
Genomic context (GRCh38, chr14:50,752,607, plus strand): 5'-TCAGATTAAACTTCTCTTGTTCCCGTTCCTCCAATGCACTGTTTCCTGGCTCTTTTTCCT[T>G]CTGGCATAGCATTTCTGTTAGACGTTGATTAAGTTCTTGCAGTTTTTCCTGGTTTTGAGA-3'
Protein context (NP_065972.4, residues 1611-1631): NQRLTEMLCQ[Lys1621Gln]EKEPGNSALE